The following is an entry in ClinVar:

NM_001365276.2(TNXB):c.2256T>G (p.Ile752Met)

Gene: TNXB (tenascin XB; minus strand). Cytogenetic location: 6p21.33.
Variant type: single nucleotide variant.
Coding change: c.2256T>G on transcript NM_001365276.2 (MANE Select); coding-DNA position 2256, T replaced by G.
Protein change: p.Ile752Met; replaces isoleucine 752 with methionine.
Molecular consequence: missense variant.
Genome position (GRCh38, 1-based): chr6:32,095,178, A>C on the plus strand (T>G on the coding strand, the complement: TNXB is on the minus strand). VCF-style: chr6-32095178-A-C. GRCh37 (hg19) VCF-style: chr6-32062955-A-C.
Other names: c.2256T>G, p.Ile752Met (NM_001428335.1, NM_019105.8); short protein forms I752M.
Identifiers: ClinVar variation 3809359 (VCV003809359.1).
Genomic context (GRCh38, chr6:32,095,178, plus strand): 5'-AGCCGGGGTCCACTCTGTCCGAACTGTTGTCTCCTCCAAGAGATGCATCCTCATGCCCTC[A>C]ATGGTTGGCACCTCTGCCCAAGAGAATGGGTTAGGGAAAGCTGGTTAGCACAAGGCAACC-3'
Protein context (NP_001352205.1, residues 742-762): GEDCGEEVPT[Ile752Met]EGMRMHLLEE

ClinVar aggregate classification (germline): Uncertain significance (1 of 4 stars; one submission).

Conditions:
Cardiovascular phenotype. Identifiers: MedGen CN230736.

gnomAD v4.1: 1 of 1,549,740 alleles (0.000065%); highest among the groups gnomAD compares: South Asian, 0.0012%; no homozygotes.

Submission:

Ambry Genetics
Classification: Uncertain significance for Cardiovascular phenotype. Last evaluated: 2025-02-10. Review status: criteria provided, single submitter. Criteria: Ambry Variant Classification Scheme 2023. Collection method: clinical testing. Allele origin: germline.
Comment: The p.I752M variant (also known as c.2256T>G), located in coding exon 3 of the TNXB gene, results from a T to G substitution at nucleotide position 2256. The isoleucine at codon 752 is replaced by methionine, an amino acid with highly similar properties. This amino acid position is conserved. In addition, this alteration is predicted to be tolerated by in silico analysis. Based on the available evidence, the clinical significance of this variant remains unclear.